The following is an entry in ClinVar:

ClinVar aggregate classification (germline): Benign/Likely benign. Review status: criteria provided, multiple submitters, no conflicts (2 of 4 stars). 3 submissions from 3 submitters: Benign (1); Likely benign (2). Last evaluated 2024-11-11.

Conditions:
Hereditary cancer-predisposing syndrome. Also called: Tumor predisposition; Hereditary Cancer Syndrome; Neoplastic Syndromes, Hereditary; Hereditary neoplastic syndrome. Identifiers: Orphanet 140162, MedGen C0027672, MeSH D009386, MONDO:0015356.
Familial adenomatous polyposis 1 (FAP1). Also called: FAMILIAL ADENOMATOUS POLYPOSIS 1, ATTENUATED; POLYPOSIS, ADENOMATOUS INTESTINAL. Identifiers: MedGen C2713442, MONDO:0021056, OMIM 175100. Disease mechanism: loss of function.

Allele frequency attached by ClinVar (database versions not stated): gnomAD exomes below 0.00001; TOPMed 0.00001.
gnomAD v4.1: 4 of 1,614,138 alleles (0.00025%); highest among the groups gnomAD compares: Non-Finnish European, 0.00034%; no homozygotes.

Submissions (3):

Labcorp Genetics (formerly Invitae), Labcorp
Classification: Likely benign for Familial adenomatous polyposis 1. Last evaluated: 2024-11-11. Review status: criteria provided, single submitter. Criteria: Invitae Variant Classification Sherloc (09022015). Collection method: clinical testing. Allele origin: germline.

Myriad Genetics, Inc.
Classification: Benign for Familial adenomatous polyposis 1. Last evaluated: 2024-03-14. Review status: criteria provided, single submitter. Criteria: Myriad Autosomal Dominant, Autosomal Recessive and X-Linked Classification Criteria (2023). Collection method: clinical testing. Allele origin: unknown.
Comment: This variant is considered benign. This variant is a silent/synonymous amino acid change and it is not expected to impact splicing.

Ambry Genetics
Classification: Likely benign for Hereditary cancer-predisposing syndrome. Last evaluated: 2021-02-22. Review status: criteria provided, single submitter. Criteria: Ambry Variant Classification Scheme 2023. Collection method: clinical testing. Allele origin: germline.

NM_000038.6(APC):c.2622A>G (p.Ser874=)

Gene: APC (APC regulator of Wnt signaling pathway; plus strand). Cytogenetic location: 5q22.2.
Variant type: single nucleotide variant.
Coding change: c.2622A>G on transcript NM_000038.6 (MANE Select); coding-DNA position 2622, A replaced by G.
Protein change: p.Ser874=; no amino-acid change (serine 874 retained).
Molecular consequence: synonymous variant. On other transcripts: non-coding transcript variant (2).
Genome position (GRCh38, 1-based): chr5:112,838,216, A>G. VCF-style: chr5-112838216-A-G. GRCh37 (hg19) VCF-style: chr5-112173913-A-G.
Other names: c.2622A>G, p.Ser874= (NM_001127510.3, NM_001354895.2, NM_001407450.1); c.2568A>G, p.Ser856= (NM_001127511.3); c.2676A>G, p.Ser892= (NM_001354896.2, NM_001407447.1, NM_001407448.1 and 1 more transcripts); c.2652A>G, p.Ser884= (NM_001354897.2); c.2547A>G, p.Ser849= (NM_001354898.2); c.2538A>G, p.Ser846= (NM_001354899.2); c.2499A>G, p.Ser833= (NM_001354900.2); c.2445A>G, p.Ser815= (NM_001354901.2, NM_001407453.1); and 11 more.
Identifiers: ClinVar variation 1793962 (VCV001793962.4), dbSNP rs1765225650, ClinGen allele CA445962961.